The following is an entry in ClinVar:

NM_153816.6(SNX14):c.800C>A (p.Thr267Asn)

Gene: SNX14 (sorting nexin 14; minus strand). Cytogenetic location: 6q14.3.
Variant type: single nucleotide variant.
Coding change: c.800C>A on transcript NM_153816.6 (MANE Select); coding-DNA position 800, C replaced by A.
Protein change: p.Thr267Asn; replaces threonine 267 with asparagine.
Molecular consequence: missense variant. On other transcripts: 5 prime UTR variant (7), non-coding transcript variant (6).
Genome position (GRCh38, 1-based): chr6:85,548,368, G>T on the plus strand (C>A on the coding strand, the complement: SNX14 is on the minus strand). VCF-style: chr6-85548368-G-T. GRCh37 (hg19) VCF-style: chr6-86258086-G-T.
Other names: c.800C>A (NM_153816.3); c.800C>A, p.Thr267Asn (NM_001297614.3, NM_001350540.2, NM_001350541.2); c.644C>A, p.Thr215Asn (NM_001304479.2); c.863C>A, p.Thr288Asn (NM_001350532.2); c.797C>A, p.Thr266Asn (NM_001350533.2, NM_001350534.2, NM_001350535.2); c.668C>A, p.Thr223Asn (NM_001350536.2, NM_020468.6); c.665C>A, p.Thr222Asn (NM_001350537.2); c.656C>A, p.Thr219Asn (NM_001350538.2); and 8 more; short protein forms T119N, T167N, T170N, T171N, T214N, T215N, T219N, T222N.
Identifiers: ClinVar variation 1699539 (VCV001699539.10), dbSNP rs752234998, ClinGen allele CA3912326.

ClinVar aggregate classification (germline): Uncertain significance. Review status: criteria provided, multiple submitters, no conflicts (2 of 4 stars). 3 submissions from 3 submitters: Uncertain significance (3). Last evaluated 2025-03-03.

Conditions:
Inborn genetic diseases. Identifiers: MedGen C0950123, MeSH D030342.
Autosomal recessive spinocerebellar ataxia 20. Identifiers: Orphanet 397709, MedGen C5190595, MONDO:0014601, OMIM 616354.

Allele frequency attached by ClinVar (database versions not stated): TOPMed 0.00004; gnomAD exomes 0.00005 and 0.00001; ExAC 0.00003; gnomAD 0.00003.
gnomAD v4.1: 22 of 1,593,338 alleles (0.0014%); highest among the groups gnomAD compares: Admixed American, 0.04%; no homozygotes.

Submissions (3):

Ambry Genetics
Classification: Uncertain significance for Inborn genetic diseases. Last evaluated: 2025-03-03. Review status: criteria provided, single submitter. Criteria: Ambry Variant Classification Scheme 2023. Collection method: clinical testing. Allele origin: germline.

GeneDx
Classification: Uncertain significance. Last evaluated: 2024-12-15. Review status: criteria provided, single submitter. Criteria: GeneDx Variant Classification Process June 2021. Collection method: clinical testing. Allele origin: germline.
Comment: In silico analysis indicates that this missense variant does not alter protein structure/function; Has not been previously published as pathogenic or benign to our knowledge

Labcorp Genetics (formerly Invitae), Labcorp
Classification: Uncertain significance. Last evaluated: 2023-07-07. Review status: criteria provided, single submitter. Criteria: Invitae Variant Classification Sherloc (09022015). Collection method: clinical testing. Allele origin: germline.
Comment: This variant has not been reported in the literature in individuals affected with SNX14-related conditions. This variant is present in population databases (rs752234998, gnomAD 0.04%). This sequence change replaces threonine, which is neutral and polar, with asparagine, which is neutral and polar, at codon 267 of the SNX14 protein (p.Thr267Asn). ClinVar contains an entry for this variant (Variation ID: 1699539). Advanced modeling of protein sequence and biophysical properties (such as structural, functional, and spatial information, amino acid conservation, physicochemical variation, residue mobility, and thermodynamic stability) performed at Invitae indicates that this missense variant is not expected to disrupt SNX14 protein function. In summary, the available evidence is currently insufficient to determine the role of this variant in disease. Therefore, it has been classified as a Variant of Uncertain Significance.